The following is an entry in ClinVar:

ClinVar aggregate classification (germline): Pathogenic (1 of 4 stars; one submission).

Conditions:
Hereditary cancer-predisposing syndrome. Also called: Tumor predisposition; Neoplastic Syndromes, Hereditary; Hereditary Cancer Syndrome; Hereditary neoplastic syndrome. Identifiers: Orphanet 140162, MedGen C0027672, MeSH D009386, MONDO:0015356.

Submission:

Ambry Genetics
Classification: Pathogenic for Hereditary cancer-predisposing syndrome. Last evaluated: 2017-10-12. Review status: criteria provided, single submitter. Criteria: Ambry Variant Classification Scheme 2023. Collection method: clinical testing. Allele origin: germline.
Comment: The c.3177_3184delTTTACTGT pathogenic mutation, located in coding exon 5 of the MSH6 gene, results from a deletion of 8 nucleotides at nucleotide positions 3177 to 3184, causing a translational frameshift with a predicted alternate stop codon (p.L1060Pfs*3). This alteration is expected to result in loss of function by premature protein truncation or nonsense-mediated mRNA decay. As such, this alteration is interpreted as a disease-causing mutation.

NM_000179.3(MSH6):c.3177_3184del (p.Leu1060fs)

Gene: MSH6 (mutS homolog 6; plus strand). Cytogenetic location: 2p16.3.
Variant type: Deletion.
Coding change: c.3177_3184del on transcript NM_000179.3 (MANE Select); coding-DNA positions 3177 to 3184, 8 bases deleted (TTTACTGT; older notation c.3177_3184delTTTACTGT).
Protein change: p.Leu1060fs; shifts the reading frame from leucine 1060.
Molecular consequence: frameshift variant.
Genome position (GRCh38, 1-based): chr2:47,803,424-47,803,431, TTTACTGT deleted; deleting any 8 consecutive bases within chr2:47,803,421-47,803,431 gives the same sequence; the c. name uses the placement nearest the transcript's 3' end. VCF-style (leftmost placement, unchanged base first): chr2-47803420-ATGTTTTAC-A. GRCh37 (hg19) VCF-style: chr2-48030559-ATGTTTTAC-A.
Other names: c.2787_2794del, p.Leu930fs (NM_001281492.2); c.2271_2278del, p.Leu758fs (NM_001281493.2, NM_001281494.2); c.3273_3280delTTTACTGT, p.Leu1092Profs (NM_001406795.1, NM_001406802.1); c.3177_3184delTTTACTGT, p.Leu1060Profs (NM_001406796.1, NM_001406800.1, NM_001406808.1 and 1 more transcripts); c.2880_2887delTTTACTGT, p.Leu961Profs (NM_001406797.1, NM_001406801.1, NM_001406805.1 and 10 more transcripts); c.2652_2659delTTTACTGT, p.Leu885Profs (NM_001406799.1, NM_001406806.1, NM_001406807.1); c.2313_2320delTTTACTGT, p.Leu772Profs (NM_001406803.1); c.3099_3106delTTTACTGT, p.Leu1034Profs (NM_001406804.1); and 7 more; short protein forms L1060fs, L930fs, L758fs.
Identifiers: ClinVar variation 1728486 (VCV001728486.2), dbSNP rs2530757586, ClinGen allele CA2580066926.
Genomic context (GRCh38, chr2:47,803,420, plus strand): 5'-CACTTAGGCTGATAAAACCCCCAAACGATGAAGCCTCACTTTTACCCTCTCTTTTAACAG[ATGTTTTAC>A]TGTGCCTGGCTAACTATAGTCGAGGGGGTGATGGTCCTATGTGTCGCCCAGTAATTCTGT-3'